The following is an entry in ClinVar:

ClinVar aggregate classification (germline): Uncertain significance (1 of 4 stars; one submission).

gnomAD v4.1: 1 of 1,614,162 alleles (0.000062%); highest among the groups gnomAD compares: Non-Finnish European, 0.000085%; no homozygotes.

Submission:

GeneDx
Classification: Uncertain significance. Last evaluated: 2024-07-22. Review status: criteria provided, single submitter. Criteria: GeneDx Variant Classification Process June 2021. Collection method: clinical testing. Allele origin: germline. Affected: yes.
Comment: Not observed at significant frequency in large population cohorts (gnomAD); In silico analysis indicates that this missense variant does not alter protein structure/function; Has not been previously published as pathogenic or benign to our knowledge

NM_001039.4(SCNN1G):c.158G>A (p.Arg53His)

Gene: SCNN1G (sodium channel epithelial 1 subunit gamma; plus strand). Cytogenetic location: 16p12.2.
Variant type: single nucleotide variant.
Coding change: c.158G>A on transcript NM_001039.4 (MANE Select); coding-DNA position 158, G replaced by A.
Protein change: p.Arg53His; replaces arginine 53 with histidine.
Molecular consequence: missense variant.
Genome position (GRCh38, 1-based): chr16:23,186,429, G>A. VCF-style: chr16-23186429-G-A. GRCh37 (hg19) VCF-style: chr16-23197750-G-A.
Other names: short protein forms R53H.
Identifiers: ClinVar variation 3600777 (VCV003600777.1).